The following is an entry in ClinVar:

NM_032737.4(LMNB2):c.43C>T (p.Pro15Ser)

Genes: LMNB2 (lamin B2; minus strand), LOC130063066 (ATAC-STARR-seq lymphoblastoid silent region 9792; plus strand). Cytogenetic location: 19p13.3.
Variant type: single nucleotide variant.
Coding change: c.43C>T on transcript NM_032737.4 (MANE Select); coding-DNA position 43, C replaced by T.
Protein change: p.Pro15Ser; replaces proline 15 with serine.
Molecular consequence: missense variant.
Genome position (GRCh38, 1-based): chr19:2,456,891, G>A on the plus strand (C>T on the coding strand, the complement: LMNB2 is on the minus strand). VCF-style: chr19-2456891-G-A. GRCh37 (hg19) VCF-style: chr19-2456889-G-A.
Other names: short protein forms P15S.
Identifiers: ClinVar variation 1411053 (VCV001411053.6), dbSNP rs2145479547, ClinGen allele CA403260169.

ClinVar aggregate classification (germline): Uncertain significance (1 of 4 stars; one submission).

Conditions:
Lipodystrophy, partial, acquired, susceptibility to (APLD). Also called: APLD, SUSCEPTIBILITY TO. Identifiers: MedGen C3887501, MONDO:0100476, OMIM 608709.
Progressive myoclonic epilepsy type 9. Identifiers: Orphanet 457265, MedGen C4225289, MONDO:0014685, OMIM 616540.

Submission:

Labcorp Genetics (formerly Invitae), Labcorp
Classification: Uncertain significance for Progressive myoclonic epilepsy type 9; Lipodystrophy, partial, acquired, susceptibility to. Last evaluated: 2021-08-12. Review status: criteria provided, single submitter. Criteria: Invitae Variant Classification Sherloc (09022015). Collection method: clinical testing. Allele origin: germline.
Comment: Algorithms developed to predict the effect of missense changes on protein structure and function are either unavailable or do not agree on the potential impact of this missense change (SIFT: "Tolerated"; PolyPhen-2: "Not Available"; Align-GVGD: "Class C0"). This variant has not been reported in the literature in individuals affected with LMNB2-related conditions. The frequency data for this variant in the population databases is considered unreliable, as metrics indicate insufficient coverage at this position in the ExAC database. This sequence change replaces proline with serine at codon 15 of the LMNB2 protein (p.Pro15Ser). The proline residue is weakly conserved and there is a moderate physicochemical difference between proline and serine. In summary, the available evidence is currently insufficient to determine the role of this variant in disease. Therefore, it has been classified as a Variant of Uncertain Significance.